The following is an entry in ClinVar:

ClinVar aggregate classification (germline): Uncertain significance (1 of 4 stars; one submission).

Conditions:
Mucopolysaccharidosis, MPS-III-A (MPS3A). Also called: Mucopolysaccharidosis, type IIIA; mucopolysaccharidosis type 3A; MPS IIIA (Sanfilippo Syndrome Type A); HEPARAN SULFATE SULFATASE DEFICIENCY; Mucopolysaccharidosis type IIIA (Sanfilippo A); SANFILIPPO SYNDROME A. Identifiers: Orphanet 581, Orphanet 79269, MedGen C0086647, MONDO:0009655, OMIM 252900.

Allele frequency attached by ClinVar (database versions not stated): gnomAD 0.00005; gnomAD exomes 0.00001; TOPMed 0.00003.
gnomAD v4.1: 11 of 1,611,330 alleles (0.00068%); highest among the groups gnomAD compares: African/African-American, 0.013%; no homozygotes.

Submission:

Labcorp Genetics (formerly Invitae), Labcorp
Classification: Uncertain significance for Mucopolysaccharidosis, MPS-III-A. Last evaluated: 2023-11-27. Review status: criteria provided, single submitter. Criteria: Invitae Variant Classification Sherloc (09022015). Collection method: clinical testing. Allele origin: germline.
Comment: This sequence change replaces methionine, which is neutral and non-polar, with isoleucine, which is neutral and non-polar, at codon 88 of the SGSH protein (p.Met88Ile). The frequency data for this variant in the population databases is considered unreliable, as metrics indicate poor data quality at this position in the gnomAD database. This variant has not been reported in the literature in individuals affected with SGSH-related conditions. ClinVar contains an entry for this variant (Variation ID: 1379024). Advanced modeling of protein sequence and biophysical properties (such as structural, functional, and spatial information, amino acid conservation, physicochemical variation, residue mobility, and thermodynamic stability) has been performed at Invitae for this missense variant, however the output from this modeling did not meet the statistical confidence thresholds required to predict the impact of this variant on SGSH protein function. In summary, the available evidence is currently insufficient to determine the role of this variant in disease. Therefore, it has been classified as a Variant of Uncertain Significance.

NM_000199.5(SGSH):c.264G>A (p.Met88Ile)

Gene: SGSH (N-sulfoglucosamine sulfohydrolase; minus strand). Cytogenetic location: 17q25.3.
Variant type: single nucleotide variant.
Coding change: c.264G>A on transcript NM_000199.5 (MANE Select); coding-DNA position 264, G replaced by A.
Protein change: p.Met88Ile; replaces methionine 88 with isoleucine.
Molecular consequence: missense variant.
Genome position (GRCh38, 1-based): chr17:80,215,124, C>T on the plus strand (G>A on the coding strand, the complement: SGSH is on the minus strand). VCF-style: chr17-80215124-C-T. GRCh37 (hg19) VCF-style: chr17-78188923-C-T.
Other names: c.264G>A, p.Met88Ile (NM_001352921.3, NM_001352922.2); short protein forms M88I.
Identifiers: ClinVar variation 1379024 (VCV001379024.8), dbSNP rs1178488696, ClinGen allele CA401363962.